The following is an entry in ClinVar:

ClinVar aggregate classification (germline): Benign/Likely benign. Review status: criteria provided, multiple submitters, no conflicts (2 of 4 stars). 9 submissions from 9 submitters: Benign (5); Likely benign (2). 2 of the submissions do not count toward it. Last evaluated 2026-01-19.

Conditions:
Cardiovascular phenotype. Identifiers: MedGen CN230736.
APOLIPOPROTEIN C-II (AFRICAN).
Familial apolipoprotein C-II deficiency. Also called: APOC2 DEFICIENCY; C-II ANAPOLIPOPROTEINEMIA; HYPERLIPOPROTEINEMIA, TYPE IB. Identifiers: Orphanet 309020, Orphanet 444490, MedGen C1720779, MONDO:0008810, OMIM 207750.

Allele frequency attached by ClinVar (database versions not stated): gnomAD exomes 0.00071 and 0.00183; ExAC 0.00238; gnomAD 0.00731 and 0.00784; 1000 Genomes Project 0.00779; TOPMed 0.00825; 1000 Genomes Project 30x 0.00890.

Submissions (9):

Labcorp Genetics (formerly Invitae), Labcorp
Classification: Benign. Last evaluated: 2026-01-19. Review status: criteria provided, single submitter. Criteria: Invitae Variant Classification Sherloc (09022015). Collection method: clinical testing. Allele origin: germline.

Mayo Clinic Laboratories, Mayo Clinic
Classification: Benign. Last evaluated: 2025-10-01. Review status: criteria provided, single submitter. Criteria: ACMG Guidelines, 2015. Collection method: clinical testing. Allele origin: germline. Observed: 1 variant allele.
Comment: BA1

Fulgent Genetics
Classification: Likely benign for Familial apolipoprotein C-II deficiency. Last evaluated: 2021-10-23. Review status: criteria provided, single submitter. Criteria: ACMG Guidelines, 2015. Collection method: clinical testing. Allele origin: unknown.

GeneDx
Classification: Likely benign. Last evaluated: 2020-11-03. Review status: criteria provided, single submitter. Criteria: GeneDx Variant Classification Process June 2021. Collection method: clinical testing. Allele origin: germline. Affected: yes.
Comment: This variant is associated with the following publications: (PMID: 31589614, 33111339)

H3Africa Consortium
Classification: Benign. Last evaluated: 2020-10-28. Review status: criteria provided, single submitter. Criteria: Choudhury A et al. (Nature 2020). Collection method: research. Allele origin: germline. Study: H3Africa.
Comment: While the frequency of the alternate allele in gnoMAD v2.0.2 is 0.063, its frequency in African populations is >5%. This suggests that previous classifications of this variant as pathogenic are in error.

Ambry Genetics
Classification: Benign for Cardiovascular phenotype. Last evaluated: 2019-08-26. Review status: criteria provided, single submitter. Criteria: Ambry Variant Classification Scheme 2023. Collection method: clinical testing. Allele origin: germline.

Illumina Laboratory Services, Illumina
Classification: Benign for Familial apolipoprotein C-II deficiency. Last evaluated: 2018-01-13. Review status: criteria provided, single submitter. Criteria: ICSL Variant Classification Criteria 13 December 2019. Collection method: clinical testing. Allele origin: germline.
Comment: This variant was observed in the ICSL laboratory as part of a predisposition screen in an ostensibly healthy population. It had not been previously curated by ICSL or reported in the Human Gene Mutation Database (HGMD: prior to June 1st, 2018), and was therefore a candidate for classification through an automated scoring system. Utilizing variant allele frequency, disease prevalence and penetrance estimates, and inheritance mode, an automated score was calculated to assess if this variant is too frequent to cause the disease. Based on the score and internal cut-off values, a variant classified as benign is not then subjected to further curation. The score for this variant resulted in a classification of benign for this disease.

Reproductive Health Research and Development, BGI Genomics
Classification: Benign for Hyperlipoproteinemia, type Ib. Last evaluated: 2020-01-06. Review status: no assertion criteria provided. Collection method: curation. Allele origin: germline. Not counted in ClinVar's aggregate classification.
Comment: NM_000483.4:c.229A>C in the APOC2 gene has an allele frequency of 0.026 in African subpopulation in the gnomAD database, including 8 homozygous occurrences. Pathogenic computational verdict because pathogenic predictions from DANN, MutationAssessor, MutationTaster and SIFTT. aken together, we interprete this variant as Benign/Likely benign variant. ACMG/AMP criteria applied: BS1, BS2.

OMIM
Classification: Pathogenic for APOLIPOPROTEIN C-II (AFRICAN). Last evaluated: 1986-02-01. Review status: no assertion criteria provided. Collection method: literature only. Allele origin: germline. Not counted in ClinVar's aggregate classification.

Literature cited by the submitters: PubMed 29100061 (cited by Mayo Clinic Laboratories, Mayo Clinic and Ambry Genetics); PubMed 33111339 (cited by Mayo Clinic Laboratories, Mayo Clinic); PubMed 36325899 (cited by Mayo Clinic Laboratories, Mayo Clinic); PubMed 38938447 (cited by Mayo Clinic Laboratories, Mayo Clinic); PubMed 3944271 (cited by 3 submitters); PubMed 30793526 (cited by Ambry Genetics).

NM_000483.5(APOC2):c.229A>C (p.Lys77Gln)

Genes: APOC4-APOC2 (APOC4-APOC2 readthrough (NMD candidate); plus strand), APOC2 (apolipoprotein C2; plus strand). Cytogenetic location: 19q13.32.
Variant type: single nucleotide variant.
Coding change: c.229A>C on transcript NM_000483.5 (MANE Select); coding-DNA position 229, A replaced by C.
Protein change: p.Lys77Gln; replaces lysine 77 with glutamine.
Molecular consequence: missense variant. On other transcripts: non-coding transcript variant (1).
Genome position (GRCh38, 1-based): chr19:44,949,172, A>C. VCF-style: chr19-44949172-A-C. GRCh37 (hg19) VCF-style: chr19-45452429-A-C.
Other names: APOC2, LYS55GLN; short protein forms K77Q.
Identifiers: ClinVar variation 2573 (VCV000002573.22), dbSNP rs5126, ClinGen allele CA115614.
Genomic context (GRCh38, chr19:44,949,172, plus strand): 5'-AGGCCCCCAGCCCCTCCTCCCTCTAACCATCTGTGCTTTCTCCCCAGGGACTTGTACAGC[A>C]AAAGCACAGCAGCCATGAGCACTTACACAGGCATTTTTACTGACCAAGTTCTTTCTGTGC-3'
Protein context (NP_000474.2, residues 67-87): VDEKLRDLYS[Lys77Gln]STAAMSTYTG